The following is an entry in ClinVar:

NM_018417.6(ADCY10):c.213G>A (p.Leu71=)

Genes: ADCY10 (adenylate cyclase 10; minus strand), DCAF6 (DDB1 and CUL4 associated factor 6; plus strand). Cytogenetic location: 1q24.2.
Variant type: single nucleotide variant.
Coding change: c.213G>A on transcript NM_018417.6 (MANE Select); coding-DNA position 213, G replaced by A.
Protein change: p.Leu71=; no amino-acid change (leucine 71 retained).
Molecular consequence: synonymous variant. On other transcripts: 5 prime UTR variant (1), intron variant (1).
Genome position (GRCh38, 1-based): chr1:167,903,927, C>T on the plus strand (G>A on the coding strand, the complement: ADCY10 is on the minus strand). VCF-style: chr1-167903927-C-T. GRCh37 (hg19) VCF-style: chr1-167873165-C-T.
Other names: c.-101G>A (NM_001297772.2); c.-62-1873G>A (NM_001167749.3).
Identifiers: ClinVar variation 3045832 (VCV003045832.2), dbSNP rs1442313070, ClinGen allele CA421700943.

ClinVar aggregate classification (germline): Likely benign (0 of 4 stars; one submission).

Conditions:
ADCY10-related disorder. Also called: ADCY10-related condition.

Allele frequency attached by ClinVar (database versions not stated): gnomAD exomes below 0.00001; TOPMed 0.00001.
gnomAD v4.1: 8 of 1,613,914 alleles (0.0005%); highest among the groups gnomAD compares: East Asian, 0.0022%; no homozygotes.

Submission:

PreventionGenetics, part of Exact Sciences
Classification: Likely benign for ADCY10-related condition. Last evaluated: 2022-09-22. Review status: no assertion criteria provided. Collection method: clinical testing. Allele origin: germline.
Comment: This variant is classified as likely benign based on ACMG/AMP sequence variant interpretation guidelines (Richards et al. 2015 PMID: 25741868, with internal and published modifications).